The following is an entry in ClinVar:

NM_000488.4(SERPINC1):c.232C>G (p.Arg78Gly)

Gene: SERPINC1 (serpin family C member 1; minus strand). Cytogenetic location: 1q25.1.
Variant type: single nucleotide variant.
Coding change: c.232C>G on transcript NM_000488.4 (MANE Select); coding-DNA position 232, C replaced by G.
Protein change: p.Arg78Gly; replaces arginine 78 with glycine.
Molecular consequence: missense variant.
Genome position (GRCh38, 1-based): chr1:173,914,729, G>C on the plus strand (C>G on the coding strand, the complement: SERPINC1 is on the minus strand). VCF-style: chr1-173914729-G-C. GRCh37 (hg19) VCF-style: chr1-173883867-G-C.
Other names: c.88C>G, p.Arg30Gly (NM_001365052.2); c.232C>G, p.Arg78Gly (NM_001386302.1, NM_001386304.1, NM_001386305.1 and 1 more transcripts); c.313C>G, p.Arg105Gly (NM_001386303.1); short protein forms R78G, R105G, R30G.
Identifiers: ClinVar variation 4705729 (VCV004705729.1).
Genomic context (GRCh38, chr1:173,914,729, plus strand): 5'-GGTGCTGATAGAAAGTGGTAGCAAAGCGGGAATTGGCCTTGGACAGTTCCCAGACACGCC[G>C]GTTGGTGGCCTCCGGGATCTTCTGTTCTGAGCCCTCATCCTCAGTTGCCTTCTTCTCCGG-3'
Protein context (NP_000479.1, residues 68-88): SEQKIPEATN[Arg78Gly]RVWELSKANS

ClinVar aggregate classification (germline): Uncertain significance (1 of 4 stars; one submission).

Conditions:
Hereditary antithrombin deficiency (AT3D). Also called: Thrombophilia due to antithrombin III deficiency; Antithrombin III deficiency; Reduced antithrombin III activity; Antithrombin deficiency. Identifiers: Orphanet 82, MedGen C0272375, MONDO:0013144, OMIM 613118, HP:0001976.

Submission:

Labcorp Genetics (formerly Invitae), Labcorp
Classification: Uncertain significance for Hereditary antithrombin deficiency. Last evaluated: 2025-03-29. Review status: criteria provided, single submitter. Criteria: Invitae Variant Classification Sherloc (09022015). Collection method: clinical testing. Allele origin: germline.
Comment: This sequence change replaces arginine, which is basic and polar, with glycine, which is neutral and non-polar, at codon 78 of the SERPINC1 protein (p.Arg78Gly). This variant is not present in population databases (gnomAD no frequency). This missense change has been observed in individual(s) with antithrombin III deficiency (PMID: 38474138). Invitae Evidence Modeling of protein sequence and biophysical properties (such as structural, functional, and spatial information, amino acid conservation, physicochemical variation, residue mobility, and thermodynamic stability) has been performed for this missense variant. However, the output from this modeling did not meet the statistical confidence thresholds required to predict the impact of this variant on SERPINC1 protein function. Experimental studies have shown that this missense change affects SERPINC1 function (PMID: 38474138). In summary, the available evidence is currently insufficient to determine the role of this variant in disease. Therefore, it has been classified as a Variant of Uncertain Significance.

Literature cited by the submitters: PubMed 38474138.